The following is an entry in ClinVar:

NM_000742.4(CHRNA2):c.725G>A (p.Ser242Asn)

Gene: CHRNA2 (cholinergic receptor nicotinic alpha 2 subunit; minus strand). Cytogenetic location: 8p21.2.
Variant type: single nucleotide variant.
Coding change: c.725G>A on transcript NM_000742.4 (MANE Select); coding-DNA position 725, G replaced by A.
Protein change: p.Ser242Asn; replaces serine 242 with asparagine.
Molecular consequence: missense variant.
Genome position (GRCh38, 1-based): chr8:27,463,718, C>T on the plus strand (G>A on the coding strand, the complement: CHRNA2 is on the minus strand). VCF-style: chr8-27463718-C-T. GRCh37 (hg19) VCF-style: chr8-27321235-C-T.
Other names: p.S242N:AGC>AAC; c.680G>A, p.Ser227Asn (NM_001282455.2); c.248G>A, p.Ser83Asn (NM_001347705.2, NM_001347706.2); c.131G>A, p.Ser44Asn (NM_001347707.2, NM_001347708.2); short protein forms S242N, S227N, S44N, S83N.
Identifiers: ClinVar variation 204964 (VCV000204964.2), dbSNP rs796052300, ClinGen allele CA313450.
Genomic context (GRCh38, chr8:27,463,718, plus strand): 5'-CGGATGACGAAGGCGTAGGTGACGTCGGGGTAGATCTCGGCGCAGCAGTCGTACTTCTTG[C>T]TGTTGTAGGTGCCCGTGGCATTGACGATGGCCCACTCGCCGCTCTCCCAGTAGTCCTTCA-3'
Protein context (NP_000733.2, residues 232-252): AIVNATGTYN[Ser242Asn]KKYDCCAEIY

ClinVar aggregate classification (germline): Uncertain significance (1 of 4 stars; one submission).

Submission:

GeneDx
Classification: Uncertain significance. Last evaluated: 2014-04-14. Review status: criteria provided, single submitter. Criteria: GeneDx Variant Classification (06012015). Collection method: clinical testing. Allele origin: germline. Affected: yes.
Comment: p.Ser242Asn (AGC>AAC): c.725 G>A in exon 6 of the CHRNA2 gene (NM_000742.3). A variant of unknown significance has been identified in the CHRNA2 gene. The S242N variant has not been published as a mutation, nor has it been reported as a benign polymorphism to our knowledge. It was not observed in approximately 6,500 individuals of European and African American ancestry in the NHLBI Exome Sequencing Project, indicating it is not a common benign variant in these populations. The S242N variant is a conservative amino acid substitution, which is not likely to impact secondary protein structure as these residues share similar properties. This substitution occurs at a position that is not conserved across species, and in silico analysis predicts the S242N variant likely does not alter the protein structure/function. Additionally, this amino acid substitution does not occur within the transmembrane region of the protein, where the vast majority of pathogenic missense mutations have been identified in association with epilepsy (Steinlein et al., 2010). However, based on the currently available information, it is unclear whether this variant is a pathogenic mutation or a rare benign variant. The variant is found in CHILD-EPI panel(s).